The following is an entry in ClinVar:

ClinVar aggregate classification (germline): Uncertain significance (1 of 4 stars; one submission).

Conditions:
Hypertrophic cardiomyopathy. Also called: HYPERTROPHIC MYOCARDIOPATHY. Identifiers: Orphanet 217569, MedGen C0007194, MeSH D002312, MONDO:0005045, HP:0001639.

Submission:

Labcorp Genetics (formerly Invitae), Labcorp
Classification: Uncertain significance for Hypertrophic cardiomyopathy. Last evaluated: 2023-10-11. Review status: criteria provided, single submitter. Criteria: Invitae Variant Classification Sherloc (09022015). Collection method: clinical testing. Allele origin: germline.
Comment: This sequence change replaces leucine, which is neutral and non-polar, with phenylalanine, which is neutral and non-polar, at codon 93 of the MYL3 protein (p.Leu93Phe). This variant is not present in population databases (gnomAD no frequency). This variant has not been reported in the literature in individuals affected with MYL3-related conditions. An algorithm developed to predict the effect of missense changes on protein structure and function (PolyPhen-2) suggests that this variant is likely to be tolerated. In summary, the available evidence is currently insufficient to determine the role of this variant in disease. Therefore, it has been classified as a Variant of Uncertain Significance.

NM_000258.3(MYL3):c.277C>T (p.Leu93Phe)

Gene: MYL3 (myosin light chain 3; minus strand). Cytogenetic location: 3p21.31.
Variant type: single nucleotide variant.
Coding change: c.277C>T on transcript NM_000258.3 (MANE Select); coding-DNA position 277, C replaced by T.
Protein change: p.Leu93Phe; replaces leucine 93 with phenylalanine.
Molecular consequence: missense variant.
Genome position (GRCh38, 1-based): chr3:46,860,706, G>A on the plus strand (C>T on the coding strand, the complement: MYL3 is on the minus strand). VCF-style: chr3-46860706-G-A. GRCh37 (hg19) VCF-style: chr3-46902196-G-A.
Other names: c.277C>T, p.Leu93Phe (NM_001406937.1, NM_001406938.1, NM_001406939.1); c.103C>T, p.Leu35Phe (NM_001406940.1, NM_001406941.1); short protein forms L35F, L93F.
Identifiers: ClinVar variation 3011156 (VCV003011156.3), dbSNP rs2544966893, ClinGen allele CA352497904.
Genomic context (GRCh38, chr3:46,860,706, plus strand): 5'-ACTATGGGGGCTCTCGGGCAGGTGCACTACCTTCCTGTCTTGGCTTCCCCAGGACACGGA[G>A]CACTTCTGCCTGTGTGGGGTTCTGGCCCAGCGCCCGCAGGACATCCCCACACTGCCCGTA-3'
Protein context (NP_000249.1, residues 83-103): LGQNPTQAEV[Leu93Phe]RVLGKPRQEE